The following is an entry in ClinVar:

NM_000051.4(ATM):c.5314A>G (p.Lys1772Glu)

Gene: ATM (ATM serine/threonine kinase; plus strand). Cytogenetic location: 11q22.3.
Variant type: single nucleotide variant.
Coding change: c.5314A>G on transcript NM_000051.4 (MANE Select); coding-DNA position 5314, A replaced by G.
Protein change: p.Lys1772Glu; replaces lysine 1772 with glutamic acid.
Molecular consequence: missense variant.
Genome position (GRCh38, 1-based): chr11:108,301,784, A>G. VCF-style: chr11-108301784-A-G. GRCh37 (hg19) VCF-style: chr11-108172511-A-G.
Other names: c.5314A>G, p.Lys1772Glu (NM_001351834.2); short protein forms K1772E.
Identifiers: ClinVar variation 825641 (VCV000825641.4), dbSNP rs1591709181, ClinGen allele CA382542806.

ClinVar aggregate classification (germline): Uncertain significance (1 of 4 stars; one submission).

Conditions:
Hereditary cancer-predisposing syndrome. Also called: Neoplastic Syndromes, Hereditary; Tumor predisposition; Hereditary neoplastic syndrome; Hereditary Cancer Syndrome. Identifiers: Orphanet 140162, MedGen C0027672, MeSH D009386, MONDO:0015356.

Submission:

Ambry Genetics
Classification: Uncertain significance for Hereditary cancer-predisposing syndrome. Last evaluated: 2019-11-20. Review status: criteria provided, single submitter. Criteria: Ambry Variant Classification Scheme 2023. Collection method: clinical testing. Allele origin: germline.
Comment: The p.K1772E variant (also known as c.5314A>G), located in coding exon 34 of the ATM gene, results from an A to G substitution at nucleotide position 5314. The lysine at codon 1772 is replaced by glutamic acid, an amino acid with similar properties. This amino acid position is highly conserved in available vertebrate species. In addition, the in silico prediction for this alteration is inconclusive. Since supporting evidence is limited at this time, the clinical significance of this alteration remains unclear.